The following is an entry in ClinVar:

NM_004100.5(EYA4):c.1011del (p.Asp338fs)

Gene: EYA4 (EYA transcriptional coactivator and phosphatase 4; plus strand). Cytogenetic location: 6q23.2.
Variant type: Deletion.
Coding change: c.1011del on transcript NM_004100.5 (MANE Select); coding-DNA position 1011, one base deleted (A; older notation c.1011delA).
Protein change: p.Asp338fs; shifts the reading frame from aspartic acid 338.
Molecular consequence: frameshift variant.
Genome position (GRCh38, 1-based): chr6:133,481,503, A deleted; the last of 3 consecutive A bases (chr6:133,481,501-133,481,503); deleting any one gives the same sequence. VCF-style (leftmost placement, unchanged base first): chr6-133481500-CA-C. GRCh37 (hg19) VCF-style: chr6-133802638-CA-C.
Other names: c.849del, p.Asp284fs (NM_001301012.2); c.1029del, p.Asp344fs (NM_001301013.2); c.942del, p.Asp315fs (NM_001370458.1, NM_172103.4); c.867del, p.Asp290fs (NM_001370459.1); c.1011del, p.Asp338fs (NM_172105.4); short protein forms D290fs, D284fs, D338fs, D315fs, D344fs.
Identifiers: ClinVar variation 818032 (VCV000818032.1), dbSNP rs1583411013, ClinGen allele CA915944380.

ClinVar aggregate classification (germline): Pathogenic (1 of 4 stars; one submission).

Submission:

GeneDx
Classification: Pathogenic. Last evaluated: 2019-02-27. Review status: criteria provided, single submitter. Criteria: GeneDx Variant Classification (06012015). Collection method: clinical testing. Allele origin: germline. Affected: yes.
Comment: The c.1011delA variant in the EYA4 gene has not been reported previously as a pathogenic variant nor as a benign variant, to our knowledge. The c.1011delA variant causes a frameshift starting with codon Aspartic acid 338, changes this amino acid to an Isoleucine residue, and creates a premature Stop codon at position 66 of the new reading frame, denoted p.Asp338IlefsX66. This variant is predicted to cause loss of normal protein function either through protein truncation or nonsense-mediated mRNA decay. The c.1011delA variant is not observed in large population cohorts (Lek et al., 2016). We interpret c.1011delA as a pathogenic variant.